The following is an entry in ClinVar:

ClinVar aggregate classification (germline): Benign/Likely benign. Review status: criteria provided, multiple submitters, no conflicts (2 of 4 stars). 4 submissions from 4 submitters: Benign (1); Likely benign (3). Last evaluated 2026-01-18.

Conditions:
Hereditary cancer-predisposing syndrome. Also called: Hereditary Cancer Syndrome; Hereditary neoplastic syndrome; Neoplastic Syndromes, Hereditary; Tumor predisposition. Identifiers: Orphanet 140162, MedGen C0027672, MeSH D009386, MONDO:0015356.
Familial cancer of breast. Also called: hereditary breast carcinoma; BREAST CANCER, FAMILIAL; Hereditary breast cancer. Identifiers: Orphanet 227535, MedGen C0346153, MONDO:0016419, OMIM 114480. Disease mechanism: loss of function.
Ataxia-telangiectasia syndrome (AT). Also called: Ataxia-telangiectasia, complementation group E; LOUIS-BAR SYNDROME; Cerebello-oculocutaneous telangiectasia; Immunodeficiency with ataxia telangiectasia; Ataxia-telangiectasia, complementation group D; AT, COMPLEMENTATION GROUP C. Identifiers: Orphanet 100, MedGen C0004135, MONDO:0008840, OMIM 208900.

Allele frequency attached by ClinVar (database versions not stated): gnomAD exomes below 0.00001 and 0.00001; TOPMed below 0.00001; gnomAD 0.00001.

Submissions (4):

Labcorp Genetics (formerly Invitae), Labcorp
Classification: Likely benign for Ataxia-telangiectasia syndrome. Last evaluated: 2026-01-18. Review status: criteria provided, single submitter. Criteria: Invitae Variant Classification Sherloc (09022015). Collection method: clinical testing. Allele origin: germline.

Myriad Genetics, Inc.
Classification: Benign for Familial cancer of breast. Last evaluated: 2024-04-18. Review status: criteria provided, single submitter. Criteria: Myriad Autosomal Dominant, Autosomal Recessive and X-Linked Classification Criteria (2023). Collection method: clinical testing. Allele origin: unknown.
Comment: This variant is considered benign. This variant is a silent/synonymous amino acid change and it is not expected to impact splicing.

Ambry Genetics
Classification: Likely benign for Hereditary cancer-predisposing syndrome. Last evaluated: 2021-12-21. Review status: criteria provided, single submitter. Criteria: Ambry Variant Classification Scheme 2023. Collection method: clinical testing. Allele origin: germline.

Color Diagnostics, LLC DBA Color Health
Classification: Likely benign for Hereditary cancer-predisposing syndrome. Last evaluated: 2019-09-03. Review status: criteria provided, single submitter. Criteria: ACMG Guidelines, 2015. Collection method: clinical testing. Allele origin: germline.

NM_000051.4(ATM):c.309C>T (p.Tyr103=)

Gene: ATM (ATM serine/threonine kinase; plus strand). Cytogenetic location: 11q22.3.
Variant type: single nucleotide variant.
Coding change: c.309C>T on transcript NM_000051.4 (MANE Select); coding-DNA position 309, C replaced by T.
Protein change: p.Tyr103=; no amino-acid change (tyrosine 103 retained).
Molecular consequence: synonymous variant.
Genome position (GRCh38, 1-based): chr11:108,229,301, C>T. VCF-style: chr11-108229301-C-T. GRCh37 (hg19) VCF-style: chr11-108100028-C-T.
Other names: c.309C>T, p.Tyr103= (NM_001351834.2, NM_001351835.2, NM_001351836.2).
Identifiers: ClinVar variation 918716 (VCV000918716.14), dbSNP rs777499935, ClinGen allele CA476668278.